The following is an entry in ClinVar:

ClinVar aggregate classification (germline): Uncertain significance (1 of 4 stars; one submission).

Conditions:
Short-rib thoracic dysplasia 8 with or without polydactyly (SRTD8). Also called: SHORT-RIB THORACIC DYSPLASIA 8 WITH POLYDACTYLY. Identifiers: Orphanet 93271, MedGen C3809691, MONDO:0014214, OMIM 615503.

Allele frequency attached by ClinVar (database versions not stated): gnomAD 0.00001; gnomAD exomes 0.00001; TOPMed 0.00001.
gnomAD v4.1: 13 of 1,589,528 alleles (0.00082%); highest among the groups gnomAD compares: African/African-American, 0.0013%; no homozygotes.

Submission:

Labcorp Genetics (formerly Invitae), Labcorp
Classification: Uncertain significance for Short-rib thoracic dysplasia 8 with or without polydactyly. Last evaluated: 2024-04-22. Review status: criteria provided, single submitter. Criteria: Invitae Variant Classification Sherloc (09022015). Collection method: clinical testing. Allele origin: germline.
Comment: This sequence change replaces alanine, which is neutral and non-polar, with threonine, which is neutral and polar, at codon 1057 of the WDR60 protein (p.Ala1057Thr). This variant is not present in population databases (gnomAD no frequency). This variant has not been reported in the literature in individuals affected with WDR60-related conditions. ClinVar contains an entry for this variant (Variation ID: 474630). Algorithms developed to predict the effect of missense changes on protein structure and function output the following: SIFT: "Not Available"; PolyPhen-2: "Benign"; Align-GVGD: "Not Available". The threonine amino acid residue is found in multiple mammalian species, which suggests that this missense change does not adversely affect protein function. In summary, the available evidence is currently insufficient to determine the role of this variant in disease. Therefore, it has been classified as a Variant of Uncertain Significance.

NM_018051.5(DYNC2I1):c.3169G>A (p.Ala1057Thr)

Gene: DYNC2I1 (dynein 2 intermediate chain 1; plus strand). Cytogenetic location: 7q36.3.
Variant type: single nucleotide variant.
Coding change: c.3169G>A on transcript NM_018051.5 (MANE Select); coding-DNA position 3169, G replaced by A.
Protein change: p.Ala1057Thr; replaces alanine 1057 with threonine.
Molecular consequence: missense variant.
Genome position (GRCh38, 1-based): chr7:158,945,747, G>A. VCF-style: chr7-158945747-G-A. GRCh37 (hg19) VCF-style: chr7-158738438-G-A.
Other names: c.3031G>A, p.Ala1011Thr (NM_001350914.2); c.2596G>A, p.Ala866Thr (NM_001350915.2); c.1708G>A, p.Ala570Thr (NM_001350916.2); c.1921G>A, p.Ala641Thr (NM_001350917.2, NM_001350918.2); short protein forms A1057T, A1011T, A570T, A641T, A866T.
Identifiers: ClinVar variation 474630 (VCV000474630.8), dbSNP rs1162389472, ClinGen allele CA370193319.